The following is an entry in ClinVar:

NM_004415.4(DSP):c.6981G>C (p.Glu2327Asp)

Gene: DSP (desmoplakin; plus strand). Cytogenetic location: 6p24.3.
Variant type: single nucleotide variant.
Coding change: c.6981G>C on transcript NM_004415.4 (MANE Select); coding-DNA position 6981, G replaced by C.
Protein change: p.Glu2327Asp; replaces glutamic acid 2327 with aspartic acid.
Molecular consequence: missense variant.
Genome position (GRCh38, 1-based): chr6:7,584,243, G>C. VCF-style: chr6-7584243-G-C. GRCh37 (hg19) VCF-style: chr6-7584476-G-C.
Other names: c.5184G>C, p.Glu1728Asp (NM_001008844.3); c.5652G>C, p.Glu1884Asp (NM_001319034.2); short protein forms E1728D, E1884D, E2327D.
Identifiers: ClinVar variation 3069751 (VCV003069751.1), dbSNP rs1280916950, ClinGen allele CA362691976.

ClinVar aggregate classification (germline): Uncertain significance (1 of 4 stars; one submission).

Conditions:
Arrhythmogenic cardiomyopathy with wooly hair and keratoderma. Also called: Carvajal syndrome; PALMOPLANTAR KERATODERMA WITH LEFT VENTRICULAR CARDIOMYOPATHY AND WOOLLY HAIR; Dilated cardiomyopathy with woolly hair and keratoderma; Arrhythmogenic cardiomyopathy with woolly hair and keratoderma. Identifiers: Orphanet 65282, MedGen C1854063, MONDO:0011581, OMIM 605676.

gnomAD v4.1: 1 of 1,614,168 alleles (0.000062%); highest among the groups gnomAD compares: South Asian, 0.0011%; no homozygotes.

Submission:

All of Us Research Program, National Institutes of Health
Classification: Uncertain significance for Arrhythmogenic cardiomyopathy with wooly hair and keratoderma. Last evaluated: 2023-03-07. Review status: criteria provided, single submitter. Criteria: ACMG Guidelines, 2015. Collection method: clinical testing. Allele origin: germline. Inheritance: Autosomal dominant inheritance. Observed: 1 variant allele, 1 heterozygote.
Comment: This missense variant replaces glutamic acid with aspartic acid at codon 2327 of the DSP protein. Computational prediction suggests that this variant may not impact protein structure and function (internally defined REVEL score threshold <= 0.5, PMID: 27666373). To our knowledge, functional studies have not been reported for this variant. This variant has not been reported in individuals affected with DSP-related disorders in the literature. This variant has been identified in 1/251468 chromosomes in the general population by the Genome Aggregation Database (gnomAD). The available evidence is insufficient to determine the role of this variant in disease conclusively. Therefore, this variant is classified as a Variant of Uncertain Significance.

This study involves interpretation of variants in research participants for the purpose of population health screening. Participant phenotype was not available at the time of variant classification. Additional details can be found in publication PMID: 35346344, PMCID: PMC8962531